The following is an entry in ClinVar:

ClinVar aggregate classification (germline): Uncertain significance (1 of 4 stars; one submission).

Submission:

GeneDx
Classification: Uncertain significance. Last evaluated: 2024-08-06. Review status: criteria provided, single submitter. Criteria: GeneDx Variant Classification Process June 2021. Collection method: clinical testing. Allele origin: germline. Affected: yes.
Comment: Not observed at significant frequency in large population cohorts (gnomAD); In silico analysis indicates that this missense variant does not alter protein structure/function; Has not been previously published as pathogenic or benign to our knowledge

NM_005120.3(MED12):c.2948G>A (p.Ser983Asn)

Gene: MED12 (mediator complex subunit 12; plus strand). Cytogenetic location: Xq13.1.
Variant type: single nucleotide variant.
Coding change: c.2948G>A on transcript NM_005120.3 (MANE Select); coding-DNA position 2948, G replaced by A.
Protein change: p.Ser983Asn; replaces serine 983 with asparagine.
Molecular consequence: missense variant.
Genome position (GRCh38, 1-based): chrX:71,127,434, G>A. VCF-style: chrX-71127434-G-A. GRCh37 (hg19) VCF-style: chrX-70347284-G-A.
Other names: short protein forms S983N.
Identifiers: ClinVar variation 3602803 (VCV003602803.1).